The following is an entry in ClinVar:

ClinVar aggregate classification (germline): Pathogenic (1 of 4 stars; one submission).

Allele frequency attached by ClinVar (database versions not stated): gnomAD exomes 0.00001; ExAC 0.00002.
gnomAD v4.1: 19 of 1,614,204 alleles (0.0012%); highest among the groups gnomAD compares: South Asian, 0.021%; no homozygotes.

Submission:

Labcorp Genetics (formerly Invitae), Labcorp
Classification: Pathogenic. Last evaluated: 2024-03-16. Review status: criteria provided, single submitter. Criteria: Invitae Variant Classification Sherloc (09022015). Collection method: clinical testing. Allele origin: germline.
Comment: This sequence change creates a premature translational stop signal (p.Gln496*) in the EMC1 gene. It is expected to result in an absent or disrupted protein product. Loss-of-function variants in EMC1 are known to be pathogenic (PMID: 26572623, 26942288, 29271071). This variant is present in population databases (rs772637593, gnomAD 0.02%). This variant has not been reported in the literature in individuals affected with EMC1-related conditions. ClinVar contains an entry for this variant (Variation ID: 2097027). For these reasons, this variant has been classified as Pathogenic.

Literature cited by the submitters: PubMed 26572623; PubMed 26942288; PubMed 29271071.

NM_015047.3(EMC1):c.1486C>T (p.Gln496Ter)

Genes: EMC1 (ER membrane protein complex subunit 1; minus strand), EMC1-AS1 (EMC1 antisense RNA 1; plus strand). Cytogenetic location: 1p36.13.
Variant type: single nucleotide variant.
Coding change: c.1486C>T on transcript NM_015047.3 (MANE Select); coding-DNA position 1486, C replaced by T.
Protein change: p.Gln496Ter; replaces glutamine 496 with a stop codon.
Molecular consequence: nonsense.
Genome position (GRCh38, 1-based): chr1:19,233,082, G>A on the plus strand (C>T on the coding strand, the complement: EMC1 is on the minus strand). VCF-style: chr1-19233082-G-A. GRCh37 (hg19) VCF-style: chr1-19559576-G-A.
Other names: c.1483C>T, p.Gln495Ter (NM_001271427.2, NM_001271428.2); c.1420C>T, p.Gln474Ter (NM_001271429.2); c.1495C>T, p.Gln499Ter (NM_001375820.1); c.1492C>T, p.Gln498Ter (NM_001375821.1); short protein forms Q499*, Q474*, Q498*, Q495*, Q496*.
Identifiers: ClinVar variation 2097027 (VCV002097027.4), dbSNP rs772637593, ClinGen allele CA652561.